The following is an entry in ClinVar:

NM_020843.4(SCAPER):c.613G>T (p.Gly205Cys)

Gene: SCAPER (S-phase cyclin A associated protein in the ER; minus strand). Cytogenetic location: 15q24.3.
Variant type: single nucleotide variant.
Coding change: c.613G>T on transcript NM_020843.4 (MANE Select); coding-DNA position 613, G replaced by T.
Protein change: p.Gly205Cys; replaces glycine 205 with cysteine.
Molecular consequence: missense variant. On other transcripts: 5 prime UTR variant (1), non-coding transcript variant (1).
Genome position (GRCh38, 1-based): chr15:76,795,439, C>A on the plus strand (G>T on the coding strand, the complement: SCAPER is on the minus strand). VCF-style: chr15-76795439-C-A. GRCh37 (hg19) VCF-style: chr15-77087780-C-A.
Other names: c.613G>T (NM_001353009.1); c.-285G>T (NM_001145923.2); c.613G>T, p.Gly205Cys (NM_001353009.2); c.211G>T, p.Gly71Cys (NM_001353010.2, NM_001353011.2, NM_001353012.2); short protein forms G71C, G205C.
Identifiers: ClinVar variation 3437863 (VCV003437863.2).
Genomic context (GRCh38, chr15:76,795,439, plus strand): 5'-TGTCAGCCCAACTGACACCTGTGGGAGCCAGACGAGGAGCTGGCACTGTGCCAGTTGAAC[C>A]TCTATGGAGAAAAATAAACACATTTAATAAATTAAATATAAAAGAAAAACTTCTGAATAT-3'
Protein context (NP_065894.2, residues 195-215): SNARRSLNFG[Gly205Cys]STGTVPAPRL

ClinVar aggregate classification (germline): Uncertain significance. Review status: criteria provided, multiple submitters, no conflicts (2 of 4 stars). 2 submissions from 2 submitters: Uncertain significance (2). Last evaluated 2026-09-10.

Conditions:
SCAPER-related disorder. Also called: SCAPER-related condition.
Inborn genetic diseases. Identifiers: MedGen C0950123, MeSH D030342.

gnomAD v4.1: 41 of 1,558,764 alleles (0.0026%); highest among the groups gnomAD compares: Non-Finnish European, 0.0035%; no homozygotes.

Submissions (2):

PreventionGenetics, part of Exact Sciences
Classification: Uncertain significance for SCAPER-related condition. Last evaluated: 2026-09-10. Review status: criteria provided, single submitter. Criteria: ACMG Guidelines, 2015. Collection method: clinical testing. Allele origin: germline.
Comment: The SCAPER c.613G>T variant is predicted to result in the amino acid substitution p.Gly205Cys. To our knowledge, this variant has not been reported in the literature. This variant is reported in 0.0043% of alleles in individuals of European (Non-Finnish) descent in gnomAD. At this time, the clinical significance of this variant is uncertain due to the absence of conclusive functional and genetic evidence.

Ambry Genetics
Classification: Uncertain significance for Inborn genetic diseases. Last evaluated: 2024-07-14. Review status: criteria provided, single submitter. Criteria: Ambry Variant Classification Scheme 2023. Collection method: clinical testing. Allele origin: germline.